The following is an entry in ClinVar:

ClinVar aggregate classification (germline): Uncertain significance. Review status: criteria provided, multiple submitters, no conflicts (2 of 4 stars). 2 submissions from 2 submitters: Uncertain significance (2). Last evaluated 2022-06-27.

Conditions:
Congenital myasthenic syndrome 5. Identifiers: Orphanet 590, MedGen C1864233, MONDO:0011281, OMIM 603034.

Allele frequency attached by ClinVar (database versions not stated): gnomAD exomes below 0.00001.
gnomAD v4.1: 1 of 1,614,200 alleles (0.000062%); highest among the groups gnomAD compares: Non-Finnish European, 0.000085%; no homozygotes.

Submissions (2):

Labcorp Genetics (formerly Invitae), Labcorp
Classification: Uncertain significance for Congenital myasthenic syndrome 5. Last evaluated: 2022-06-27. Review status: criteria provided, single submitter. Criteria: Invitae Variant Classification Sherloc (09022015). Collection method: clinical testing. Allele origin: germline.
Comment: In summary, the available evidence is currently insufficient to determine the role of this variant in disease. Therefore, it has been classified as a Variant of Uncertain Significance. Algorithms developed to predict the effect of missense changes on protein structure and function output the following: SIFT: "Tolerated"; PolyPhen-2: "Benign"; Align-GVGD: "Class C0". The serine amino acid residue is found in multiple mammalian species, which suggests that this missense change does not adversely affect protein function. ClinVar contains an entry for this variant (Variation ID: 1051171). This variant has not been reported in the literature in individuals affected with COLQ-related conditions. This variant is not present in population databases (gnomAD no frequency). This sequence change replaces phenylalanine, which is neutral and non-polar, with serine, which is neutral and polar, at codon 26 of the COLQ protein (p.Phe26Ser).

Revvity Omics, Revvity
Classification: Uncertain significance for Congenital myasthenic syndrome 5. Last evaluated: 2019-05-31. Review status: criteria provided, single submitter. Criteria: ACMG Guidelines, 2015. Collection method: clinical testing. Allele origin: germline.

NM_005677.4(COLQ):c.77T>C (p.Phe26Ser)

Gene: COLQ (collagen like tail subunit of asymmetric acetylcholinesterase; minus strand). Cytogenetic location: 3p25.1.
Variant type: single nucleotide variant.
Coding change: c.77T>C on transcript NM_005677.4 (MANE Select); coding-DNA position 77, T replaced by C.
Protein change: p.Phe26Ser; replaces phenylalanine 26 with serine.
Molecular consequence: missense variant.
Genome position (GRCh38, 1-based): chr3:15,521,549, A>G on the plus strand (T>C on the coding strand, the complement: COLQ is on the minus strand). VCF-style: chr3-15521549-A-G. GRCh37 (hg19) VCF-style: chr3-15563056-A-G.
Other names: c.77T>C, p.Phe26Ser (NM_080539.4); c.77T>C (NM_005677.3); short protein forms F26S.
Identifiers: ClinVar variation 1051171 (VCV001051171.13), dbSNP rs2063138065, ClinGen allele CA351603679.